The following is an entry in ClinVar:

ClinVar aggregate classification (germline): Uncertain significance. Review status: criteria provided, multiple submitters, no conflicts (2 of 4 stars). 2 submissions from 2 submitters: Uncertain significance (2). Last evaluated 2026-01-25.

Conditions:
Congenital myopathy with fiber type disproportion. Also called: Congenital fiber-type disproportion myopathy; Congenital fiber-type disproportion. Identifiers: Orphanet 2020, MedGen C0546264, MONDO:0009711. Inheritance: all.
Congenital myopathy 4B, autosomal recessive. Also called: Nemaline myopathy 1, autosomal dominant or recessive. Identifiers: Orphanet 171433, Orphanet 171439, Orphanet 171881, MedGen C5829889, MONDO:0012239, OMIM 609284.

Allele frequency attached by ClinVar (database versions not stated): TOPMed below 0.00001; ExAC 0.00001; gnomAD exomes 0.00001.
gnomAD v4.1: 2 of 1,614,178 alleles (0.00012%); highest among the groups gnomAD compares: Admixed American, 0.0033%; no homozygotes.

Submissions (2):

Labcorp Genetics (formerly Invitae), Labcorp
Classification: Uncertain significance for Congenital myopathy with fiber type disproportion; Congenital myopathy 4B, autosomal recessive. Last evaluated: 2026-01-25. Review status: criteria provided, single submitter. Criteria: Invitae Variant Classification Sherloc (09022015). Collection method: clinical testing. Allele origin: germline.
Comment: This sequence change replaces histidine, which is basic and polar, with asparagine, which is neutral and polar, at codon 277 of the TPM3 protein (p.His277Asn). This variant is present in population databases (rs747794605, gnomAD 0.006%). This missense change has been observed in individual(s) with clinical features of TPM3-related conditions (internal data). ClinVar contains an entry for this variant (Variation ID: 952209). Invitae Evidence Modeling of protein sequence and biophysical properties (such as structural, functional, and spatial information, amino acid conservation, physicochemical variation, residue mobility, and thermodynamic stability) indicates that this missense variant is not expected to disrupt TPM3 protein function with a negative predictive value of 80%. In summary, the available evidence is currently insufficient to determine the role of this variant in disease. Therefore, it has been classified as a Variant of Uncertain Significance.

Revvity Omics, Revvity
Classification: Uncertain significance. Last evaluated: 2022-05-12. Review status: criteria provided, single submitter. Criteria: ACMG Guidelines, 2015. Collection method: clinical testing. Allele origin: germline.

NM_152263.4(TPM3):c.829C>A (p.His277Asn)

Gene: TPM3 (tropomyosin 3; minus strand). Cytogenetic location: 1q21.3.
Variant type: single nucleotide variant.
Coding change: c.829C>A on transcript NM_152263.4 (MANE Select); coding-DNA position 829, C replaced by A.
Protein change: p.His277Asn; replaces histidine 277 with asparagine.
Molecular consequence: missense variant. On other transcripts: intron variant (10).
Genome position (GRCh38, 1-based): chr1:154,169,330, G>T on the plus strand (C>A on the coding strand, the complement: TPM3 is on the minus strand). VCF-style: chr1-154169330-G-T. GRCh37 (hg19) VCF-style: chr1-154141806-G-T.
Other names: c.718C>A, p.His240Asn (NM_001278189.2, NM_001349679.2, NM_001364683.1); c.829C>A, p.His277Asn (NM_001364682.1); c.775+1070C>A (NM_001364679.2, NM_001364681.2, NM_001364680.2); c.466+1070C>A (NM_001278188.2); c.664+1070C>A (NM_001043351.2, NM_001043353.2, NM_153649.4 and 1 more transcripts); c.601+1070C>A (NM_001278190.2); c.394+1070C>A (NM_001278191.2); short protein forms H240N, H277N.
Identifiers: ClinVar variation 952209 (VCV000952209.10), dbSNP rs747794605, ClinGen allele CA1125505.
Genomic context (GRCh38, chr1:154,169,330, plus strand): 5'-AAGATCCCAGCCCCACTCTACTGTCAGATAGTTACATAGAGGTCATGTCATTGAGGGCGT[G>T]GTCCAGCTCCTCGCTAATGGCCTTGTACTTCAGTTTCTGGGCATAGAGCTCATCTGGACA-3'
Protein context (NP_689476.2, residues 267-285): KYKAISEELD[His277Asn]ALNDMTSI